The following is an entry in ClinVar:

NM_006978.3(RNF113A):c.975G>T (p.Glu325Asp)

Gene: RNF113A (ring finger protein 113A; minus strand). Cytogenetic location: Xq24.
Variant type: single nucleotide variant.
Coding change: c.975G>T on transcript NM_006978.3 (MANE Select); coding-DNA position 975, G replaced by T.
Protein change: p.Glu325Asp; replaces glutamic acid 325 with aspartic acid.
Molecular consequence: missense variant.
Genome position (GRCh38, 1-based): chrX:119,870,639, C>A on the plus strand (G>T on the coding strand, the complement: RNF113A is on the minus strand). VCF-style: chrX-119870639-C-A. GRCh37 (hg19) VCF-style: chrX-119004602-C-A.
Other names: short protein forms E325D.
Identifiers: ClinVar variation 1921497 (VCV001921497.5), dbSNP rs1482401989, ClinGen allele CA414186371.

ClinVar aggregate classification (germline): Uncertain significance (1 of 4 stars; one submission).

Allele frequency attached by ClinVar (database versions not stated): TOPMed below 0.00001; gnomAD 0.00001.

Submission:

Labcorp Genetics (formerly Invitae), Labcorp
Classification: Uncertain significance. Last evaluated: 2024-11-05. Review status: criteria provided, single submitter. Criteria: Invitae Variant Classification Sherloc (09022015). Collection method: clinical testing. Allele origin: germline.
Comment: This sequence change replaces glutamic acid, which is acidic and polar, with aspartic acid, which is acidic and polar, at codon 325 of the RNF113A protein (p.Glu325Asp). This variant is not present in population databases (gnomAD no frequency). This variant has not been reported in the literature in individuals affected with RNF113A-related conditions. ClinVar contains an entry for this variant (Variation ID: 1921497). Invitae Evidence Modeling of protein sequence and biophysical properties (such as structural, functional, and spatial information, amino acid conservation, physicochemical variation, residue mobility, and thermodynamic stability) indicates that this missense variant is not expected to disrupt RNF113A protein function with a negative predictive value of 80%. In summary, the available evidence is currently insufficient to determine the role of this variant in disease. Therefore, it has been classified as a Variant of Uncertain Significance.